The following is an entry in ClinVar:

NM_000059.4(BRCA2):c.3779dup (p.Leu1260fs)

Gene: BRCA2 (BRCA2 DNA repair associated; plus strand). Cytogenetic location: 13q13.1.
Variant type: Duplication.
Coding change: c.3779dup on transcript NM_000059.4 (MANE Select); coding-DNA position 3779, one base duplicated (T; older notation c.3779dupT).
Protein change: p.Leu1260fs; shifts the reading frame from leucine 1260.
Molecular consequence: frameshift variant.
Genome position (GRCh38, 1-based): chr13:32,338,134, T duplicated; the last of 3 consecutive T bases (chr13:32,338,132-32,338,134); duplicating any one gives the same sequence. VCF-style (leftmost placement, unchanged base first): chr13-32338131-G-GT. GRCh37 (hg19) VCF-style: chr13-32912268-G-GT.
Other names: 4007_4008insT; c.3779dupT (NM_000059.3); short protein forms L1260fs.
Identifiers: ClinVar variation 266772 (VCV000266772.7), dbSNP rs397507686, ClinGen allele CA10589222.
Genomic context (GRCh38, chr13:32,338,131, plus strand): 5'-AACTGTTTAGTGATATTGAGAATATTAGTGAGGAAACTTCTGCAGAGGTACATCCAATAA[G>GT]TTTATCTTCAAGTAAATGTCATGATTCTGTTGTTTCAATGTTTAAGATAGAAAATCATAA-3'

ClinVar aggregate classification (germline): Pathogenic. Review status: reviewed by expert panel (3 of 4 stars). 3 submissions from 3 submitters: Pathogenic (1). 2 of the submissions do not count toward it. Last evaluated 2016-10-18.

Conditions:
Breast-ovarian cancer, familial, susceptibility to, 2 (BROVCA2). Also called: BRCA2 Hereditary Breast and Ovarian Cancer. Identifiers: Orphanet 145, MedGen C2675520, MONDO:0012933, OMIM 612555. Disease mechanism: loss of function.

Submissions (3):

Evidence-based Network for the Interpretation of Germline Mutant Alleles (ENIGMA)
Classification: Pathogenic for Breast-ovarian cancer, familial, susceptibility to, 2. Last evaluated: 2016-10-18. Review status: reviewed by expert panel. Criteria: ENIGMA BRCA1/2 Classification Criteria (2015). Collection method: curation. Allele origin: germline.
Comment: Variant allele predicted to encode a truncated non-functional protein.

Consortium of Investigators of Modifiers of BRCA1/2 (CIMBA), c/o University of Cambridge
Classification: Pathogenic for Breast-ovarian cancer, familial, susceptibility to, 2. Last evaluated: 2015-10-02. Review status: criteria provided, single submitter. Criteria: CIMBA Mutation Classification guidelines May 2016. Collection method: clinical testing. Allele origin: germline. Not counted in ClinVar's aggregate classification.

Counsyl
Classification: Likely pathogenic for Breast-ovarian cancer, familial, susceptibility to, 2. Last evaluated: 2016-11-02. Review status: no assertion criteria provided. Collection method: clinical testing. Allele origin: unknown. Not counted in ClinVar's aggregate classification.